The following is an entry in ClinVar:

ClinVar aggregate classification (germline): Uncertain significance (1 of 4 stars; one submission).

Conditions:
Hereditary cancer-predisposing syndrome. Also called: Neoplastic Syndromes, Hereditary; Tumor predisposition; Hereditary neoplastic syndrome; Hereditary Cancer Syndrome. Identifiers: Orphanet 140162, MedGen C0027672, MeSH D009386, MONDO:0015356.

Submission:

Ambry Genetics
Classification: Uncertain significance for Hereditary cancer-predisposing syndrome. Last evaluated: 2023-02-18. Review status: criteria provided, single submitter. Criteria: Ambry Variant Classification Scheme 2023. Collection method: clinical testing. Allele origin: germline.
Comment: The p.E1456D variant (also known as c.4368A>T), located in coding exon 10 of the BRCA2 gene, results from an A to T substitution at nucleotide position 4368. The glutamic acid at codon 1456 is replaced by aspartic acid, an amino acid with highly similar properties. This amino acid position is conserved. In addition, this alteration is predicted to be tolerated by in silico analysis. Since supporting evidence is limited at this time, the clinical significance of this alteration remains unclear.

NM_000059.4(BRCA2):c.4368A>T (p.Glu1456Asp)

Gene: BRCA2 (BRCA2 DNA repair associated; plus strand). Cytogenetic location: 13q13.1.
Variant type: single nucleotide variant.
Coding change: c.4368A>T on transcript NM_000059.4 (MANE Select); coding-DNA position 4368, A replaced by T.
Protein change: p.Glu1456Asp; replaces glutamic acid 1456 with aspartic acid.
Molecular consequence: missense variant. On other transcripts: non-coding transcript variant (1), intron variant (2).
Genome position (GRCh38, 1-based): chr13:32,338,723, A>T. VCF-style: chr13-32338723-A-T. GRCh37 (hg19) VCF-style: chr13-32912860-A-T.
Other names: c.4368A>T, p.Glu1456Asp (NM_001406719.1, NM_001406720.1); c.1909+5336A>T (NM_001406721.1); c.425-5835A>T (NM_001406722.1); short protein forms E1456D.
Identifiers: ClinVar variation 2451560 (VCV002451560.2), dbSNP rs2072502550, ClinGen allele CA387780993.